The following is an entry in ClinVar:

NM_020166.5(MCCC1):c.898A>G (p.Lys300Glu)

Gene: MCCC1 (methylcrotonyl-CoA carboxylase subunit 1; minus strand). Cytogenetic location: 3q27.1.
Variant type: single nucleotide variant.
Coding change: c.898A>G on transcript NM_020166.5 (MANE Select); coding-DNA position 898, A replaced by G.
Protein change: p.Lys300Glu; replaces lysine 300 with glutamic acid.
Molecular consequence: missense variant. On other transcripts: non-coding transcript variant (2).
Genome position (GRCh38, 1-based): chr3:183,052,216, T>C on the plus strand (A>G on the coding strand, the complement: MCCC1 is on the minus strand). VCF-style: chr3-183052216-T-C. GRCh37 (hg19) VCF-style: chr3-182770004-T-C.
Other names: c.547A>G, p.Lys183Glu (NM_001293273.2); c.571A>G, p.Lys191Glu (NM_001363880.1); short protein forms K191E, K300E, K183E.
Identifiers: ClinVar variation 1033931 (VCV001033931.10), dbSNP rs753650692, ClinGen allele CA2718930.
Genomic context (GRCh38, chr3:183,052,216, plus strand): 5'-TACCTGCTCCAACATAATTTACAGCTTTAGCAGCTCTGACTGCAGCTTCTCCCAGCTTTT[T>C]TCTTACTTCAGATTTAATACCAGGCTATGAAAAAAATATGTAAATAAATCTCCATTAGTA-3'
Protein context (NP_064551.3, residues 290-310): PAPGIKSEVR[Lys300Glu]KLGEAAVRAA

ClinVar aggregate classification (germline): Uncertain significance. Review status: criteria provided, multiple submitters, no conflicts (2 of 4 stars). 4 submissions from 4 submitters: Uncertain significance (3). 1 of the submissions does not count toward it. Last evaluated 2024-03-31.

Conditions:
Inborn genetic diseases. Identifiers: MedGen C0950123, MeSH D030342.
3-methylcrotonyl-CoA carboxylase 1 deficiency (MCC1D). Also called: MCCD TYPE 1; METHYLCROTONYLGLYCINURIA TYPE I; MCC 1 deficiency; 3 Alpha methylcrotonylglycinuria 1. Identifiers: Orphanet 6, MedGen CN028786, MONDO:0008861, OMIM 210200.

Allele frequency attached by ClinVar (database versions not stated): gnomAD exomes below 0.00001 and 0.00002; ExAC 0.00001; TOPMed 0.00001.
gnomAD v4.1: 5 of 1,614,108 alleles (0.00031%); highest among the groups gnomAD compares: East Asian, 0.0089%; no homozygotes.

Submissions (4):

Ambry Genetics
Classification: Uncertain significance for Inborn genetic diseases. Last evaluated: 2024-03-31. Review status: criteria provided, single submitter. Criteria: Ambry Variant Classification Scheme 2023. Collection method: clinical testing. Allele origin: germline.

Labcorp Genetics (formerly Invitae), Labcorp
Classification: Uncertain significance for 3-methylcrotonyl-CoA carboxylase 1 deficiency. Last evaluated: 2021-08-26. Review status: criteria provided, single submitter. Criteria: Invitae Variant Classification Sherloc (09022015). Collection method: clinical testing. Allele origin: germline.
Comment: This sequence change replaces lysine with glutamic acid at codon 300 of the MCCC1 protein (p.Lys300Glu). The lysine residue is weakly conserved and there is a small physicochemical difference between lysine and glutamic acid. This variant is present in population databases (rs753650692, ExAC 0.01%). This variant has not been reported in the literature in individuals affected with MCCC1-related conditions. Algorithms developed to predict the effect of missense changes on protein structure and function (SIFT, PolyPhen-2, Align-GVGD) all suggest that this variant is likely to be tolerated. In summary, the available evidence is currently insufficient to determine the role of this variant in disease. Therefore, it has been classified as a Variant of Uncertain Significance.

Baylor Genetics
Classification: Uncertain significance for 3-methylcrotonyl-CoA carboxylase 1 deficiency. Last evaluated: 2018-02-19. Review status: criteria provided, single submitter. Criteria: ACMG Guidelines, 2015. Collection method: clinical testing. Allele origin: paternal. Affected: yes.
Comment: This variant was determined to be of uncertain significance according to ACMG Guidelines, 2015 [PMID:25741868].

Natera, Inc.
Classification: Uncertain significance for 3-methylcrotonyl-CoA carboxylase 1 deficiency. Last evaluated: 2020-05-07. Review status: no assertion criteria provided. Collection method: clinical testing. Allele origin: germline. Not counted in ClinVar's aggregate classification.